The following is an entry in ClinVar:

NM_002354.3(EPCAM):c.836T>C (p.Val279Ala)

Gene: EPCAM (epithelial cell adhesion molecule; plus strand). Cytogenetic location: 2p21.
Variant type: single nucleotide variant.
Coding change: c.836T>C on transcript NM_002354.3 (MANE Select); coding-DNA position 836, T replaced by C.
Protein change: p.Val279Ala; replaces valine 279 with alanine.
Molecular consequence: missense variant.
Genome position (GRCh38, 1-based): chr2:47,379,947, T>C. VCF-style: chr2-47379947-T-C. GRCh37 (hg19) VCF-style: chr2-47607086-T-C.
Other names: short protein forms V279A.
Identifiers: ClinVar variation 2586739 (VCV002586739.2), dbSNP rs1671539457, ClinGen allele CA346724920.

ClinVar aggregate classification (germline): Uncertain significance (1 of 4 stars; one submission).

Conditions:
Hereditary cancer-predisposing syndrome. Also called: Hereditary neoplastic syndrome; Tumor predisposition; Hereditary Cancer Syndrome; Neoplastic Syndromes, Hereditary. Identifiers: Orphanet 140162, MedGen C0027672, MeSH D009386, MONDO:0015356.

Allele frequency attached by ClinVar (database versions not stated): gnomAD exomes below 0.00001.
gnomAD v4.1: 2 of 1,613,222 alleles (0.00012%); highest among the groups gnomAD compares: Non-Finnish European, 0.00017%; no homozygotes.

Submission:

Ambry Genetics
Classification: Uncertain significance for Hereditary cancer-predisposing syndrome. Last evaluated: 2023-09-14. Review status: criteria provided, single submitter. Criteria: Ambry Variant Classification Scheme 2023. Collection method: clinical testing. Allele origin: germline.
Comment: The p.V279A variant (also known as c.836T>C), located in coding exon 7 of the EPCAM gene, results from a T to C substitution at nucleotide position 836. The valine at codon 279 is replaced by alanine, an amino acid with similar properties. This amino acid position is conserved. In addition, this alteration is predicted to be tolerated by in silico analysis. Since supporting evidence is limited at this time, the clinical significance of this alteration remains unclear.